The following is an entry in ClinVar:

NM_000554.6(CRX):c.586G>T (p.Ala196Ser)

Gene: CRX (cone-rod homeobox; plus strand). Cytogenetic location: 19q13.33.
Variant type: single nucleotide variant.
Coding change: c.586G>T on transcript NM_000554.6 (MANE Select); coding-DNA position 586, G replaced by T.
Protein change: p.Ala196Ser; replaces alanine 196 with serine.
Molecular consequence: missense variant.
Genome position (GRCh38, 1-based): chr19:47,839,653, G>T. VCF-style: chr19-47839653-G-T. GRCh37 (hg19) VCF-style: chr19-48342910-G-T.
Other names: short protein forms A196S.
Identifiers: ClinVar variation 2944941 (VCV002944941.3), dbSNP rs1038108316, ClinGen allele CA406631171.

ClinVar aggregate classification (germline): Uncertain significance (1 of 4 stars; one submission).

Conditions:
Leber congenital amaurosis 7 (LCA7). Identifiers: Orphanet 65, MedGen C3151192, MONDO:0013449, OMIM 613829.
Cone-rod dystrophy 2 (CORD2). Also called: CONE-ROD RETINAL DYSTROPHY; Cone-rod retinal dystrophy 2. Identifiers: Orphanet 1872, MedGen C3489532, MONDO:0007362, OMIM 120970.

gnomAD v4.1: 4 of 1,613,274 alleles (0.00025%); highest among the groups gnomAD compares: Non-Finnish European, 0.00034%; no homozygotes.

Submission:

Labcorp Genetics (formerly Invitae), Labcorp
Classification: Uncertain significance for Cone-rod dystrophy 2; Leber congenital amaurosis 7. Last evaluated: 2025-07-13. Review status: criteria provided, single submitter. Criteria: Invitae Variant Classification Sherloc (09022015). Collection method: clinical testing. Allele origin: germline.
Comment: This sequence change replaces alanine, which is neutral and non-polar, with serine, which is neutral and polar, at codon 196 of the CRX protein (p.Ala196Ser). This variant is not present in population databases (gnomAD no frequency). This variant has not been reported in the literature in individuals affected with CRX-related conditions. ClinVar contains an entry for this variant (Variation ID: 2944941). Invitae Evidence Modeling of protein sequence and biophysical properties (such as structural, functional, and spatial information, amino acid conservation, physicochemical variation, residue mobility, and thermodynamic stability) indicates that this missense variant is not expected to disrupt CRX protein function with a negative predictive value of 95%. In summary, the available evidence is currently insufficient to determine the role of this variant in disease. Therefore, it has been classified as a Variant of Uncertain Significance.